The following is an entry in ClinVar:

ClinVar aggregate classification (germline): Likely benign. Review status: criteria provided, multiple submitters, no conflicts (2 of 4 stars). 2 submissions from 2 submitters: Likely benign (2). Last evaluated 2024-10-29.

Conditions:
LRP5-related disorder. Also called: LRP5-related condition.

Allele frequency attached by ClinVar (database versions not stated): TOPMed below 0.00001.

Submissions (2):

PreventionGenetics, part of Exact Sciences
Classification: Likely benign for LRP5-related condition. Last evaluated: 2024-10-29. Review status: criteria provided, single submitter. Criteria: ACMG Guidelines, 2015. Collection method: clinical testing. Allele origin: germline.
Comment: This variant is classified as likely benign based on ACMG/AMP sequence variant interpretation guidelines (Richards et al. 2015 PMID: 25741868, with internal and published modifications).

Labcorp Genetics (formerly Invitae), Labcorp
Classification: Likely benign. Last evaluated: 2024-05-22. Review status: criteria provided, single submitter. Criteria: Invitae Variant Classification Sherloc (09022015). Collection method: clinical testing. Allele origin: germline.

NM_002335.4(LRP5):c.883+8C>T

Gene: LRP5 (LDL receptor related protein 5; plus strand). Cytogenetic location: 11q13.2.
Variant type: single nucleotide variant.
Coding change: c.883+8C>T on transcript NM_002335.4 (MANE Select); 8 bases into the intron after coding-DNA position 883, C replaced by T.
Molecular consequence: intron variant.
Genome position (GRCh38, 1-based): chr11:68,363,951, C>T. VCF-style: chr11-68363951-C-T. GRCh37 (hg19) VCF-style: chr11-68131419-C-T.
Other names: c.-883+8C>T (NM_001291902.2); c.883+8C>T (NM_002335.3).
Identifiers: ClinVar variation 1654587 (VCV001654587.9), dbSNP rs1245568223, ClinGen allele CA600238943.